The following is an entry in ClinVar:

ClinVar aggregate classification (germline): Uncertain significance (1 of 4 stars; one submission).

Conditions:
Cardiovascular phenotype. Identifiers: MedGen CN230736.

Submission:

Ambry Genetics
Classification: Uncertain significance for Cardiovascular phenotype. Last evaluated: 2023-05-25. Review status: criteria provided, single submitter. Criteria: Ambry Variant Classification Scheme 2023. Collection method: clinical testing. Allele origin: germline.
Comment: The p.M1592L variant (also known as c.4774A>T), located in coding exon 34 of the DMD gene, results from an A to T substitution at nucleotide position 4774. The methionine at codon 1592 is replaced by leucine, an amino acid with highly similar properties. This amino acid position is poorly conserved in available vertebrate species. In addition, this alteration is predicted to be tolerated by in silico analysis. Since supporting evidence is limited at this time, the clinical significance of this alteration remains unclear.

NM_004006.3(DMD):c.4774A>T (p.Met1592Leu)

Gene: DMD (dystrophin; minus strand). Cytogenetic location: Xp21.1.
Variant type: single nucleotide variant.
Coding change: c.4774A>T on transcript NM_004006.3 (MANE Select); coding-DNA position 4774, A replaced by T.
Protein change: p.Met1592Leu; replaces methionine 1592 with leucine.
Molecular consequence: missense variant.
Genome position (GRCh38, 1-based): chrX:32,380,581, T>A on the plus strand (A>T on the coding strand, the complement: DMD is on the minus strand). VCF-style: chrX-32380581-T-A. GRCh37 (hg19) VCF-style: chrX-32398698-T-A.
Other names: c.4750A>T, p.Met1584Leu (NM_000109.4); c.4762A>T, p.Met1588Leu (NM_004009.3); c.4405A>T, p.Met1469Leu (NM_004010.3); c.751A>T, p.Met251Leu (NM_004011.4); c.742A>T, p.Met248Leu (NM_004012.4); short protein forms M1584L, M251L, M1469L, M1588L, M248L, M1592L.
Identifiers: ClinVar variation 2565101 (VCV002565101.2), dbSNP rs748205396, ClinGen allele CA412661235.